The following is an entry in ClinVar:

ClinVar aggregate classification (germline): Uncertain significance (1 of 4 stars; one submission).

Conditions:
Combined deficiency of sialidase AND beta galactosidase (GSL). Also called: CATHEPSIN A DEFICIENCY; GOLDBERG SYNDROME; Galactosialidosis; NEURAMINIDASE DEFICIENCY WITH BETA-GALACTOSIDASE DEFICIENCY; NEURAMINIDASE/BETA-GALACTOSIDASE EXPRESSION; PPCA DEFICIENCY. Identifiers: Orphanet 351, MedGen C0268233, MONDO:0009737, OMIM 256540.

Allele frequency attached by ClinVar (database versions not stated): TOPMed below 0.00001; gnomAD 0.00001.
gnomAD v4.1: 1 of 1,612,870 alleles (0.000062%); highest among the groups gnomAD compares: Admixed American, 0.0017%; no homozygotes.

Submission:

Labcorp Genetics (formerly Invitae), Labcorp
Classification: Uncertain significance for Combined deficiency of sialidase AND beta galactosidase. Last evaluated: 2023-10-30. Review status: criteria provided, single submitter. Criteria: Invitae Variant Classification Sherloc (09022015). Collection method: clinical testing. Allele origin: germline.
Comment: This sequence change replaces serine, which is neutral and polar, with threonine, which is neutral and polar, at codon 260 of the CTSA protein (p.Ser260Thr). This variant is not present in population databases (gnomAD no frequency). This variant has not been reported in the literature in individuals affected with CTSA-related conditions. ClinVar contains an entry for this variant (Variation ID: 945092). An algorithm developed to predict the effect of missense changes on protein structure and function (PolyPhen-2) suggests that this variant¬†is likely to be tolerated. In summary, the available evidence is currently insufficient to determine the role of this variant in disease. Therefore, it has been classified as a Variant of Uncertain Significance.

NM_000308.4(CTSA):c.724T>A (p.Ser242Thr)

Gene: CTSA (cathepsin A; plus strand). Cytogenetic location: 20q13.12.
Variant type: single nucleotide variant.
Coding change: c.724T>A on transcript NM_000308.4 (MANE Select); coding-DNA position 724, T replaced by A.
Protein change: p.Ser242Thr; replaces serine 242 with threonine.
Molecular consequence: missense variant. On other transcripts: non-coding transcript variant (1).
Genome position (GRCh38, 1-based): chr20:45,894,019, T>A. VCF-style: chr20-45894019-T-A. GRCh37 (hg19) VCF-style: chr20-44522658-T-A.
Other names: c.724T>A, p.Ser242Thr (NM_001127695.3); c.673T>A, p.Ser225Thr (NM_001167594.3); short protein forms S242T, S225T.
Identifiers: ClinVar variation 945092 (VCV000945092.6), dbSNP rs1381644117, ClinGen allele CA409251497.
Genomic context (GRCh38, chr20:45,894,019, plus strand): 5'-GATGCGCTTTTCACTCTCATCTCCTACAGGCTTTGGTCTTCTCTCCAGACCCACTGCTGC[T>A]CTCAAAACAAGTGTAACTTCTATGACAACAAAGACCTGGAATGCGTGACCAATGTGAGGT-3'
Protein context (NP_000299.3, residues 232-252): LWSSLQTHCC[Ser242Thr]QNKCNFYDNK